The following is an entry in ClinVar:

NM_174936.4(PCSK9):c.2014G>A (p.Val672Met)

Gene: PCSK9 (proprotein convertase subtilisin/kexin type 9; plus strand). Cytogenetic location: 1p32.3.
Variant type: single nucleotide variant.
Coding change: c.2014G>A on transcript NM_174936.4 (MANE Select); coding-DNA position 2014, G replaced by A.
Protein change: p.Val672Met; replaces valine 672 with methionine.
Molecular consequence: missense variant.
Genome position (GRCh38, 1-based): chr1:55,063,519, G>A. VCF-style: chr1-55063519-G-A. GRCh37 (hg19) VCF-style: chr1-55529192-G-A.
Other names: c.2137G>A, p.Val713Met (NM_001407240.1); c.2056G>A, p.Val686Met (NM_001407241.1); c.2017G>A, p.Val673Met (NM_001407242.1); c.1957G>A, p.Val653Met (NM_001407243.1); c.1840G>A, p.Val614Met (NM_001407244.1); c.1822G>A, p.Val608Met (NM_001407245.1); c.1639G>A, p.Val547Met (NM_001407246.1); c.1513G>A, p.Val505Met (NM_001407247.1); short protein forms V672M, V614M, V673M, V608M, V505M, V547M, V653M, V686M.
Identifiers: ClinVar variation 536203 (VCV000536203.15), dbSNP rs892210400, ClinGen allele CA22768463.

ClinVar aggregate classification (germline): Uncertain significance. Review status: criteria provided, multiple submitters, no conflicts (2 of 4 stars). 5 submissions from 5 submitters: Uncertain significance (5). Last evaluated 2024-04-21.

Conditions:
Hypercholesterolemia, autosomal dominant, 3 (FHCL3). Also called: Familial Hypercholesterolemia, Autosomal Dominant, 3; Familial hypercholesterolemia 3; PCSK9-Related Familial Hypercholesterolemia, Autosomal Dominant. Identifiers: MedGen C1863551, MONDO:0011369, OMIM 603776.
Cardiovascular phenotype. Identifiers: MedGen CN230736.
Familial hypercholesterolemia. Also called: Familial hypercholesterolemias; Familial hypercholesterolaemia. Identifiers: MedGen C0020445, MONDO:0005439.

Allele frequency attached by ClinVar (database versions not stated): gnomAD exomes below 0.00001 and 0.00001; gnomAD 0.00001; TOPMed 0.00001.
gnomAD v4.1: 18 of 1,613,478 alleles (0.0011%); highest among the groups gnomAD compares: Non-Finnish European, 0.0015%; no homozygotes.

Submissions (5):

Ambry Genetics
Classification: Uncertain significance for Cardiovascular phenotype. Last evaluated: 2024-04-21. Review status: criteria provided, single submitter. Criteria: Ambry Variant Classification Scheme 2023. Collection method: clinical testing. Allele origin: germline.
Comment: The p.V672M variant (also known as c.2014G>A), located in coding exon 12 of the PCSK9 gene, results from a G to A substitution at nucleotide position 2014. The valine at codon 672 is replaced by methionine, an amino acid with highly similar properties. This amino acid position is conserved. In addition, this alteration is predicted to be tolerated by in silico analysis. Based on the available evidence, the clinical significance of this variant remains unclear.

Color Diagnostics, LLC DBA Color Health
Classification: Uncertain significance for Familial hypercholesterolemia. Last evaluated: 2024-03-06. Review status: criteria provided, single submitter. Criteria: ACMG Guidelines, 2015. Collection method: clinical testing. Allele origin: germline.
Comment: This missense variant replaces valine with methionine at codon 672 of the PCSK9 protein. Computational prediction suggests that this variant may not impact protein structure and function (internally defined REVEL score threshold <= 0.5, PMID: 27666373). To our knowledge, functional studies have not been reported for this variant. This variant has not been reported in individuals affected with PCSK9-related disorders in the literature. This variant has been identified in 1/249588 chromosomes in the general population by the Genome Aggregation Database (gnomAD). The available evidence is insufficient to determine the role of this variant in disease conclusively. Therefore, this variant is classified as a Variant of Uncertain Significance.

All of Us Research Program, National Institutes of Health
Classification: Uncertain significance for Hypercholesterolemia, autosomal dominant, 3. Last evaluated: 2023-10-02. Review status: criteria provided, single submitter. Criteria: ACMG Guidelines, 2015. Collection method: clinical testing. Allele origin: germline. Inheritance: Autosomal dominant inheritance. Observed: 5 variant alleles, 5 heterozygotes.
Comment: This missense variant replaces valine with methionine at codon 672 of the PCSK9 protein. Computational prediction suggests that this variant may not impact protein structure and function (internally defined REVEL score threshold <= 0.5, PMID: 27666373). Splice site prediction tools suggest that this variant may not impact RNA splicing. To our knowledge, functional studies have not been performed for this variant. This variant has not been reported in individuals affected with familial hypercholesterolemia in the literature. This variant has been identified in 1/249588 chromosomes in the general population by the Genome Aggregation Database (gnomAD). The available evidence is insufficient to determine the role of this variant in disease conclusively. Therefore, this variant is classified as a Variant of Uncertain Significance.

This study involves interpretation of variants in research participants for the purpose of population health screening. Participant phenotype was not available at the time of variant classification. Additional details can be found in publication PMID: 35346344, PMCID: PMC8962531

Labcorp Genetics (formerly Invitae), Labcorp
Classification: Uncertain significance for Hypercholesterolemia, autosomal dominant, 3. Last evaluated: 2021-08-30. Review status: criteria provided, single submitter. Criteria: Invitae Variant Classification Sherloc (09022015). Collection method: clinical testing. Allele origin: germline.
Comment: This sequence change replaces valine with methionine at codon 672 of the PCSK9 protein (p.Val672Met). The valine residue is weakly conserved and there is a small physicochemical difference between valine and methionine. This variant is not present in population databases (ExAC no frequency). This variant has not been reported in the literature in individuals affected with PCSK9-related conditions. Algorithms developed to predict the effect of missense changes on protein structure and function output the following: SIFT: "Tolerated"; PolyPhen-2: "Benign"; Align-GVGD: "Class C0". The methionine amino acid residue is found in multiple mammalian species, which suggests that this missense change does not adversely affect protein function. In summary, the available evidence is currently insufficient to determine the role of this variant in disease. Therefore, it has been classified as a Variant of Uncertain Significance.

Fulgent Genetics
Classification: Uncertain significance for Hypercholesterolemia, autosomal dominant, 3. Last evaluated: 2021-08-27. Review status: criteria provided, single submitter. Criteria: ACMG Guidelines, 2015. Collection method: clinical testing. Allele origin: unknown.